The following is an entry in ClinVar:

NM_001256071.3(RNF213):c.1761G>A (p.Lys587=)

Gene: RNF213 (ring finger protein 213; plus strand). Cytogenetic location: 17q25.3.
Variant type: single nucleotide variant.
Coding change: c.1761G>A on transcript NM_001256071.3 (MANE Select); coding-DNA position 1761, G replaced by A.
Protein change: p.Lys587=; no amino-acid change (lysine 587 retained).
Molecular consequence: synonymous variant.
Genome position (GRCh38, 1-based): chr17:80,295,562, G>A. VCF-style: chr17-80295562-G-A. GRCh37 (hg19) VCF-style: chr17-78269362-G-A.
Other names: p.Lys587=; c.1761G>A, p.Lys587= (NM_020954.4).
Identifiers: ClinVar variation 722973 (VCV000722973.7), dbSNP rs138196543, ClinGen allele CA8819649.

ClinVar aggregate classification (germline): Benign/Likely benign. Review status: criteria provided, multiple submitters, no conflicts (2 of 4 stars). 4 submissions from 4 submitters: Benign (2); Likely benign (2). Last evaluated 2025-10-03.

Allele frequency attached by ClinVar (database versions not stated): gnomAD exomes 0.00045; ExAC 0.00052; 1000 Genomes Project 30x 0.00078; 1000 Genomes Project 0.00100; gnomAD 0.00167 and 0.00181; TOPMed 0.00175; ESP Exome Variant Server 0.00200.
gnomAD v4.1: 466 of 1,614,168 alleles (0.029%); highest among the groups gnomAD compares: African/African-American, 0.56%; no homozygotes.

Submissions (4):

Mayo Clinic Laboratories, Mayo Clinic
Classification: Likely benign. Last evaluated: 2025-10-03. Review status: criteria provided, single submitter. Criteria: ACMG Guidelines, 2015. Collection method: clinical testing. Allele origin: germline. Observed: 1 variant allele.
Comment: BS1, BP4, BP7

Labcorp Genetics (formerly Invitae), Labcorp
Classification: Benign. Last evaluated: 2025-10-01. Review status: criteria provided, single submitter. Criteria: Invitae Variant Classification Sherloc (09022015). Collection method: clinical testing. Allele origin: germline.

Blueprint Genetics
Classification: Likely benign. Last evaluated: 2021-09-28. Review status: criteria provided, single submitter. Criteria: ACMG Guidelines, 2015. Collection method: clinical testing. Allele origin: germline.

Breakthrough Genomics
Classification: Benign. Review status: criteria provided, single submitter. Criteria: ACMG Guidelines, 2015. Collection method: not provided. Allele origin: germline. Inheritance: Autosomal dominant inheritance. Affected: yes.